The following is an entry in ClinVar:

ClinVar aggregate classification (germline): Uncertain significance (1 of 4 stars; one submission).

Conditions:
Cardiovascular phenotype. Identifiers: MedGen CN230736.

Submission:

Ambry Genetics
Classification: Uncertain significance for Cardiovascular phenotype. Last evaluated: 2025-03-02. Review status: criteria provided, single submitter. Criteria: Ambry Variant Classification Scheme 2023. Collection method: clinical testing. Allele origin: germline.
Comment: The p.K241E variant (also known as c.721A>G), located in coding exon 5 of the JAG1 gene, results from an A to G substitution at nucleotide position 721. The lysine at codon 241 is replaced by glutamic acid, an amino acid with similar properties. This amino acid position is conserved. In addition, this alteration is predicted to be tolerated by in silico analysis. Based on the available evidence, the clinical significance of this variant remains unclear.

NM_000214.3(JAG1):c.721A>G (p.Lys241Glu)

Gene: JAG1 (jagged canonical Notch ligand 1; minus strand). Cytogenetic location: 20p12.2.
Variant type: single nucleotide variant.
Coding change: c.721A>G on transcript NM_000214.3 (MANE Select); coding-DNA position 721, A replaced by G.
Protein change: p.Lys241Glu; replaces lysine 241 with glutamic acid.
Molecular consequence: missense variant.
Genome position (GRCh38, 1-based): chr20:10,656,432, T>C on the plus strand (A>G on the coding strand, the complement: JAG1 is on the minus strand). VCF-style: chr20-10656432-T-C. GRCh37 (hg19) VCF-style: chr20-10637080-T-C.
Other names: short protein forms K241E.
Identifiers: ClinVar variation 3862107 (VCV003862107.1).
Genomic context (GRCh38, chr20:10,656,432, plus strand): 5'-ATCTCACAAAAGACCAGTTGATTTACCTGCAGTCACCTGGGAGTTTGCAAGACCCATGCT[T>C]AGGACTGCAGCCTTGTCGGCAAATAGCTGTAAAAAACAGAGAAGGGCGTGTCAGCACACT-3'
Protein context (NP_000205.1, residues 231-251): RAICRQGCSP[Lys241Glu]HGSCKLPGDC